The following is an entry in ClinVar:

ClinVar aggregate classification (germline): Uncertain significance (1 of 4 stars; one submission).

Submission:

GeneDx
Classification: Uncertain significance. Last evaluated: 2022-03-28. Review status: criteria provided, single submitter. Criteria: GeneDx Variant Classification Process June 2021. Collection method: clinical testing. Allele origin: germline. Affected: yes.
Comment: Not observed at significant frequency in large population cohorts (gnomAD); In silico analysis supports that this missense variant has a deleterious effect on protein structure/function; Has not been previously published as pathogenic or benign to our knowledge

NM_014991.6(WDFY3):c.9439C>A (p.Arg3147Ser)

Gene: WDFY3 (WD repeat and FYVE domain containing 3; minus strand). Cytogenetic location: 4q21.23.
Variant type: single nucleotide variant.
Coding change: c.9439C>A on transcript NM_014991.6 (MANE Select); coding-DNA position 9439, C replaced by A.
Protein change: p.Arg3147Ser; replaces arginine 3147 with serine.
Molecular consequence: missense variant.
Genome position (GRCh38, 1-based): chr4:84,688,190, G>T on the plus strand (C>A on the coding strand, the complement: WDFY3 is on the minus strand). VCF-style: chr4-84688190-G-T. GRCh37 (hg19) VCF-style: chr4-85609343-G-T.
Other names: short protein forms R3147S.
Identifiers: ClinVar variation 1707776 (VCV001707776.2), dbSNP rs150572140, ClinGen allele CA357536527.